The following is an entry in ClinVar:

ClinVar aggregate classification (germline): Likely benign. Review status: criteria provided, multiple submitters, no conflicts (2 of 4 stars). 3 submissions from 3 submitters: Likely benign (2). 1 of the submissions does not count toward it. Last evaluated 2025-10-24.

Conditions:
Bardet-Biedl syndrome 1 (BBS1). Identifiers: MedGen C2936862, MONDO:0008854, OMIM 209900. Disease mechanism: loss of function.
BBS1-related disorder. Also called: BBS1-related condition.
Bardet-Biedl syndrome (BBS). Identifiers: Orphanet 110, MedGen C0752166, MONDO:0015229.

Allele frequency attached by ClinVar (database versions not stated): ExAC 0.00004; gnomAD 0.00001 and 0.00002; gnomAD exomes 0.00003 and 0.00002; TOPMed 0.00002.
gnomAD v4.1: 27 of 1,600,994 alleles (0.0017%); highest among the groups gnomAD compares: Middle Eastern, 0.016%; no homozygotes.

Submissions (3):

Labcorp Genetics (formerly Invitae), Labcorp
Classification: Likely benign for Bardet-Biedl syndrome. Last evaluated: 2025-10-24. Review status: criteria provided, single submitter. Criteria: Invitae Variant Classification Sherloc (09022015). Collection method: clinical testing. Allele origin: germline.

Fulgent Genetics
Classification: Likely benign for Bardet-Biedl syndrome 1. Last evaluated: 2021-08-30. Review status: criteria provided, single submitter. Criteria: ACMG Guidelines, 2015. Collection method: clinical testing. Allele origin: unknown.

PreventionGenetics, part of Exact Sciences
Classification: Likely benign for BBS1-related condition. Last evaluated: 2021-01-22. Review status: no assertion criteria provided. Collection method: clinical testing. Allele origin: germline. Not counted in ClinVar's aggregate classification.
Comment: This variant is classified as likely benign based on ACMG/AMP sequence variant interpretation guidelines (Richards et al. 2015 PMID: 25741868, with internal and published modifications).

NM_024649.5(BBS1):c.1470C>T (p.Ala490=)

Genes: BBS1 (Bardet-Biedl syndrome 1; plus strand), ZDHHC24 (zDHHC palmitoyltransferase 24; minus strand). Cytogenetic location: 11q13.2.
Variant type: single nucleotide variant.
Coding change: c.1470C>T on transcript NM_024649.5 (MANE Select); coding-DNA position 1470, C replaced by T.
Protein change: p.Ala490=; no amino-acid change (alanine 490 retained).
Molecular consequence: synonymous variant. On other transcripts: intron variant (1).
Genome position (GRCh38, 1-based): chr11:66,529,949, C>T. VCF-style: chr11-66529949-C-T. GRCh37 (hg19) VCF-style: chr11-66297420-C-T.
Other names: c.1470C>T (NM_024649.4); c.560-461G>A (NM_001348571.2).
Identifiers: ClinVar variation 1136978 (VCV001136978.12), dbSNP rs772427832, ClinGen allele CA6123777.
Genomic context (GRCh38, chr11:66,529,949, plus strand): 5'-CCTCGAGTCCAGCCTGAGCCCCCTGTCCACGACAGCCCGAGAGCCACTCAAGCTGCACGC[C>T]GTGGTGAGCATCTGGGTGAGGGCAGAGTCAGGGCCAGAGGGGCAGAGGCCAGGATGCGCA-3'
Protein context (NP_078925.3, residues 480-500): TTAREPLKLH[Ala490=]VVQGLGPTFK